The following is an entry in ClinVar:

ClinVar aggregate classification (germline): Likely pathogenic (1 of 4 stars; one submission).

Submission:

Labcorp Genetics (formerly Invitae), Labcorp
Classification: Likely pathogenic. Last evaluated: 2022-04-06. Review status: criteria provided, single submitter. Criteria: Invitae Variant Classification Sherloc (09022015). Collection method: clinical testing. Allele origin: germline.
Comment: In summary, the currently available evidence indicates that the variant is pathogenic, but additional data are needed to prove that conclusively. Therefore, this variant has been classified as Likely Pathogenic. Experimental studies have shown that this missense change affects SERPING1 function (PMID: 25369003, 30398465). Advanced modeling of protein sequence and biophysical properties (such as structural, functional, and spatial information, amino acid conservation, physicochemical variation, residue mobility, and thermodynamic stability) performed at Invitae indicates that this missense variant is expected to disrupt SERPING1 protein function. This variant is also known as p.Thr167Asn. This missense change has been observed in individuals with hereditary angioedema (PMID: 18586324, 25369003). This variant is not present in population databases (gnomAD no frequency). This sequence change replaces threonine, which is neutral and polar, with asparagine, which is neutral and polar, at codon 189 of the SERPING1 protein (p.Thr189Asn).

Literature cited by the submitters: PubMed 25369003; PubMed 30398465; PubMed 18586324.

NM_000062.3(SERPING1):c.566C>A (p.Thr189Asn)

Gene: SERPING1 (serpin family G member 1; plus strand). Cytogenetic location: 11q12.1.
Variant type: single nucleotide variant.
Coding change: c.566C>A on transcript NM_000062.3 (MANE Select); coding-DNA position 566, C replaced by A.
Protein change: p.Thr189Asn; replaces threonine 189 with asparagine.
Molecular consequence: missense variant.
Genome position (GRCh38, 1-based): chr11:57,602,050, C>A. VCF-style: chr11-57602050-C-A. GRCh37 (hg19) VCF-style: chr11-57369523-C-A.
Other names: c.566C>A, p.Thr189Asn (NM_001032295.2); short protein forms T189N.
Identifiers: ClinVar variation 2137094 (VCV002137094.4), dbSNP rs2495430901, ClinGen allele CA380696742.